The following is an entry in ClinVar:

GRCh37/hg19 9p24.3(chr9:203862-399039)x1

Genes: DOCK8-AS1 (DOCK8 antisense RNA 1; minus strand), DOCK8 (dedicator of cytokinesis 8; plus strand). Cytogenetic location: 9p24.3.
Variant type: copy number loss.
Change: copy number 1 (one copy instead of two) of chr9:203,862-399,039 (195.2 kb, GRCh37 coordinates, 1-based), cytogenetic band 9p24.3.
Identifiers: ClinVar variation 1807701 (VCV001807701.1).

ClinVar aggregate classification (germline): Pathogenic (1 of 4 stars; one submission).

Submission:

Quest Diagnostics Nichols Institute San Juan Capistrano
Classification: Pathogenic. Last evaluated: 2021-06-18. Review status: criteria provided, single submitter. Criteria: ACMG/ClinGen CNV Guidelines, 2019. Collection method: clinical testing. Allele origin: unknown.
Comment: This genomic loss is expected to cause phenotypic and/or developmental abnormalities. It involves two genes, including a considerable portion of DOCK8. Disruption of the DOCK8 gene, by deletion or translocation, has been reported to be causative of autosomal dominant intellectual developmental disorder-2 (MRD2; OMIM 614113). Other clinical features may include absence of speech, mild dysmorphic features, a history of seizures, and stooped posture (Griggs et al., Genomics 91: 195-202, 2008; PMID: 18060736).